The following is an entry in ClinVar:

ClinVar aggregate classification (germline): Uncertain significance. Review status: criteria provided, multiple submitters, no conflicts (2 of 4 stars). 2 submissions from 2 submitters: Uncertain significance (2). Last evaluated 2024-07-09.

Conditions:
BMP7-related disorder. Also called: BMP7-related condition.

Allele frequency attached by ClinVar (database versions not stated): ExAC 0.00014; 1000 Genomes Project 30x 0.00016; 1000 Genomes Project 0.00020; gnomAD 0.00021; TOPMed 0.00022; ESP Exome Variant Server 0.00038.
gnomAD v4.1: 70 of 1,606,648 alleles (0.0044%); highest among the groups gnomAD compares: African/African-American, 0.073%; 1 homozygote.

Submissions (2):

Ambry Genetics
Classification: Uncertain significance. Last evaluated: 2024-07-09. Review status: criteria provided, single submitter. Criteria: Ambry Variant Classification Scheme 2023. Collection method: clinical testing. Allele origin: germline.

PreventionGenetics, part of Exact Sciences
Classification: Uncertain significance for BMP7-related condition. Last evaluated: 2023-03-24. Review status: criteria provided, single submitter. Criteria: ACMG Guidelines, 2015. Collection method: clinical testing. Allele origin: germline.
Comment: The BMP7 c.743C>T variant is predicted to result in the amino acid substitution p.Ser248Leu. To our knowledge, this variant has not been reported in the literature. This variant is reported in 0.093% of alleles in individuals of African descent in gnomAD. At this time, the clinical significance of this variant is uncertain due to the absence of conclusive functional and genetic evidence.

NM_001719.3(BMP7):c.743C>T (p.Ser248Leu)

Gene: BMP7 (bone morphogenetic protein 7; minus strand). Cytogenetic location: 20q13.31.
Variant type: single nucleotide variant.
Coding change: c.743C>T on transcript NM_001719.3 (MANE Select); coding-DNA position 743, C replaced by T.
Protein change: p.Ser248Leu; replaces serine 248 with leucine.
Molecular consequence: missense variant.
Genome position (GRCh38, 1-based): chr20:57,202,492, G>A on the plus strand (C>T on the coding strand, the complement: BMP7 is on the minus strand). VCF-style: chr20-57202492-G-A. GRCh37 (hg19) VCF-style: chr20-55777548-G-A.
Other names: short protein forms S248L.
Identifiers: ClinVar variation 2634610 (VCV002634610.3), dbSNP rs145527493, ClinGen allele CA9919718.